The following is an entry in ClinVar:

ClinVar aggregate classification (germline): Uncertain significance (1 of 4 stars; one submission).

Submission:

Ambry Genetics
Classification: Uncertain significance. Last evaluated: 2024-05-23. Review status: criteria provided, single submitter. Criteria: Ambry Variant Classification Scheme 2023. Collection method: clinical testing. Allele origin: germline.
Comment: The p.V56A variant (also known as c.167T>C), located in coding exon 3 of the RINT1 gene, results from a T to C substitution at nucleotide position 167. The valine at codon 56 is replaced by alanine, an amino acid with similar properties. This amino acid position is conserved. In addition, the in silico prediction for this alteration is inconclusive. Based on the available evidence, the clinical significance of this variant remains unclear.

NM_021930.6(RINT1):c.167T>C (p.Val56Ala)

Gene: RINT1 (RAD50 interactor 1; plus strand). Cytogenetic location: 7q22.3.
Variant type: single nucleotide variant.
Coding change: c.167T>C on transcript NM_021930.6 (MANE Select); coding-DNA position 167, T replaced by C.
Protein change: p.Val56Ala; replaces valine 56 with alanine.
Molecular consequence: missense variant. On other transcripts: 5 prime UTR variant (3), non-coding transcript variant (1), intron variant (1).
Genome position (GRCh38, 1-based): chr7:105,536,643, T>C. VCF-style: chr7-105536643-T-C. GRCh37 (hg19) VCF-style: chr7-105177090-T-C.
Other names: c.-853T>C (NM_001346600.2); c.-756T>C (NM_001346601.2); c.-376T>C (NM_001346603.2); c.39+31T>C (NM_001346599.2); short protein forms V56A.
Identifiers: ClinVar variation 3314474 (VCV003314474.1).